The following is an entry in ClinVar:

ClinVar aggregate classification (germline): Uncertain significance (1 of 4 stars; one submission).

Conditions:
GNAS-related disorder. Identifiers: MedGen CN380105.

gnomAD v4.1: 22 of 1,611,542 alleles (0.0014%); highest among the groups gnomAD compares: African/African-American, 0.0053%; no homozygotes.

Submission:

PreventionGenetics, part of Exact Sciences
Classification: Uncertain significance for GNAS-related condition. Last evaluated: 2026-02-16. Review status: criteria provided, single submitter. Criteria: ACMG Guidelines, 2015. Collection method: clinical testing. Allele origin: germline.
Comment: The GNAS c.65C>T variant is predicted to result in the amino acid substitution p.Pro22Leu. In the primary transcript listed in the Human Gene Mutation Database, this variant is pre-coding (NM_000516.7 c.-51556C>T). To our knowledge, this variant has not been reported in the literature or in a large population database (gnomAD), indicating this variant is rare. At this time, the clinical significance of this variant is uncertain due to the absence of conclusive functional and genetic evidence.

NM_016592.5(GNAS):c.65C>T (p.Pro22Leu)

Genes: GNAS (GNAS complex locus; plus strand), GNAS-AS1 (GNAS antisense RNA 1; minus strand). Cytogenetic location: 20q13.32.
Variant type: single nucleotide variant.
Coding change: c.65C>T on transcript NM_016592.5 (MANE Plus Clinical); coding-DNA position 65, C replaced by T.
Protein change: p.Pro22Leu; replaces proline 22 with leucine.
Molecular consequence: missense variant. On other transcripts: 5 prime UTR variant (1).
Genome position (GRCh38, 1-based): chr20:58,840,171, C>T. VCF-style: chr20-58840171-C-T. GRCh37 (hg19) VCF-style: chr20-57415226-C-T.
Other names: c.-673C>T (NM_001410912.1); short protein forms P22L.
Identifiers: ClinVar variation 4986380 (VCV004986380.1).
Genomic context (GRCh38, chr20:58,840,171, plus strand): 5'-ATCGGAGGTCCCGGGCTCAGCAGTGGCGCCGAGCTCGCCATAATTACAACGACCTGTGCC[C>T]GCCCATAGGCCGCCGGGCAGCCACCGCGCTCCTCTGGCTCTCCTGCTCCATCGCGCTCCT-3'
Protein context (NP_057676.1, residues 12-32): RARHNYNDLC[Pro22Leu]PIGRRAATAL